The following is an entry in ClinVar:

NC_000023.11:g.(?_33211272)_(33211366_?)dup

Gene: DMD (dystrophin; minus strand). Cytogenetic location: Xp21.1.
Variant type: Duplication.
Identifiers: ClinVar variation 830880 (VCV000830880.1).

ClinVar aggregate classification (germline): Uncertain significance (1 of 4 stars; one submission).

Conditions:
Duchenne muscular dystrophy (DMD). Also called: Duchenne Muscular Dystrophy (DMD); MUSCULAR DYSTROPHY, PSEUDOHYPERTROPHIC PROGRESSIVE, DUCHENNE TYPE. Identifiers: Orphanet 98896, MedGen C0013264, MONDO:0010679, OMIM 310200.

Submission:

Labcorp Genetics (formerly Invitae), Labcorp
Classification: Uncertain significance for Duchenne muscular dystrophy. Last evaluated: 2019-10-29. Review status: criteria provided, single submitter. Criteria: Invitae Variant Classification Sherloc (09022015). Collection method: clinical testing. Allele origin: germline.
Comment: This variant results in a copy number gain of the genomic region encompassing exon 1 of the DMD gene. The 5' end of this event is unknown as it extends beyond the assayed region for this gene and therefore may encompass additional genes. The 3' boundary is likely confined to intron 1 of the DMD gene. As the precise location of this event is unknown, it may be in tandem or it may be located elsewhere in the genome. This variant has not been reported in the literature in individuals with DMD-related disease. In summary, the available evidence is currently insufficient to determine the role of this variant in disease. Therefore, it has been classified as a Variant of Uncertain Significance.